The following is an entry in ClinVar:

ClinVar aggregate classification (germline): Uncertain significance (1 of 4 stars; one submission).

Conditions:
Hereditary cancer-predisposing syndrome. Also called: Neoplastic Syndromes, Hereditary; Tumor predisposition; Hereditary neoplastic syndrome; Hereditary Cancer Syndrome. Identifiers: Orphanet 140162, MedGen C0027672, MeSH D009386, MONDO:0015356.
Cardiovascular phenotype. Identifiers: MedGen CN230736.

Allele frequency attached by ClinVar (database versions not stated): gnomAD exomes below 0.00001.
gnomAD v4.1: 1 of 1,613,448 alleles (0.000062%); highest among the groups gnomAD compares: South Asian, 0.0011%; no homozygotes.

Submission:

Ambry Genetics
Classification: Uncertain significance for Cardiovascular phenotype; Hereditary cancer-predisposing syndrome. Last evaluated: 2023-02-06. Review status: criteria provided, single submitter. Criteria: Ambry Variant Classification Scheme 2023. Collection method: clinical testing. Allele origin: germline.
Comment: The p.L2269R variant (also known as c.6806T>G), located in coding exon 45 of the NF1 gene, results from a T to G substitution at nucleotide position 6806. The leucine at codon 2269 is replaced by arginine, an amino acid with dissimilar properties. This amino acid position is conserved. In addition, this alteration is predicted to be deleterious by in silico analysis. Since supporting evidence is limited at this time, the clinical significance of this alteration remains unclear.

NM_001042492.3(NF1):c.6869T>G (p.Leu2290Arg)

Gene: NF1 (neurofibromin 1; plus strand). Cytogenetic location: 17q11.2.
Variant type: single nucleotide variant.
Coding change: c.6869T>G on transcript NM_001042492.3 (MANE Select); coding-DNA position 6869, T replaced by G.
Protein change: p.Leu2290Arg; replaces leucine 2290 with arginine.
Molecular consequence: missense variant.
Genome position (GRCh38, 1-based): chr17:31,338,753, T>G. VCF-style: chr17-31338753-T-G. GRCh37 (hg19) VCF-style: chr17-29665771-T-G.
Other names: c.6806T>G, p.Leu2269Arg (NM_000267.4); short protein forms L2269R, L2290R.
Identifiers: ClinVar variation 2452308 (VCV002452308.2), dbSNP rs2508762803, ClinGen allele CA399014350.
Genomic context (GRCh38, chr17:31,338,753, plus strand): 5'-TTTCCTAAAAGGCACTTGAGAGTTGCTTAAAAGGACCTGACACTTACAACAGTCAAGTTC[T>G]GATAGAAGCTACAGTAATAGCACTAACCAAATTACAGCCACTTCTTAATAAGGTAATTAC-3'
Protein context (NP_001035957.1, residues 2280-2300): KGPDTYNSQV[Leu2290Arg]IEATVIALTK